The following is an entry in ClinVar:

ClinVar aggregate classification (germline): Uncertain significance (1 of 4 stars; one submission).

Submission:

Labcorp Genetics (formerly Invitae), Labcorp
Classification: Uncertain significance. Last evaluated: 2024-01-29. Review status: criteria provided, single submitter. Criteria: Invitae Variant Classification Sherloc (09022015). Collection method: clinical testing. Allele origin: germline.
Comment: This sequence change replaces histidine, which is basic and polar, with tyrosine, which is neutral and polar, at codon 262 of the KANK1 protein (p.His262Tyr). This variant is not present in population databases (gnomAD no frequency). This variant has not been reported in the literature in individuals affected with KANK1-related conditions. Advanced modeling of protein sequence and biophysical properties (such as structural, functional, and spatial information, amino acid conservation, physicochemical variation, residue mobility, and thermodynamic stability) performed at Invitae indicates that this missense variant is expected to disrupt KANK1 protein function with a positive predictive value of 80%. In summary, the available evidence is currently insufficient to determine the role of this variant in disease. Therefore, it has been classified as a Variant of Uncertain Significance.

NM_015158.5(KANK1):c.784C>T (p.His262Tyr)

Gene: KANK1 (KN motif and ankyrin repeat domains 1; plus strand). Cytogenetic location: 9p24.3.
Variant type: single nucleotide variant.
Coding change: c.784C>T on transcript NM_015158.5 (MANE Select); coding-DNA position 784, C replaced by T.
Protein change: p.His262Tyr; replaces histidine 262 with tyrosine.
Molecular consequence: missense variant. On other transcripts: non-coding transcript variant (1).
Genome position (GRCh38, 1-based): chr9:711,550, C>T. VCF-style: chr9-711550-C-T. GRCh37 (hg19) VCF-style: chr9-711550-C-T.
Other names: c.784C>T, p.His262Tyr (NM_001256876.3, NM_001256877.3, NM_001354331.2 and 2 more transcripts); c.310C>T, p.His104Tyr (NM_001354333.2, NM_001354335.2, NM_001354336.2 and 9 more transcripts); short protein forms H104Y, H262Y.
Identifiers: ClinVar variation 3687488 (VCV003687488.2).